The following is an entry in ClinVar:

NM_000091.5(COL4A3):c.3861C>T (p.Asp1287=)

Genes: COL4A3 (collagen type IV alpha 3 chain; plus strand), MFF-DT (MFF divergent transcript; minus strand). Cytogenetic location: 2q36.3.
Variant type: single nucleotide variant.
Coding change: c.3861C>T on transcript NM_000091.5 (MANE Select); coding-DNA position 3861, C replaced by T.
Protein change: p.Asp1287=; no amino-acid change (aspartic acid 1287 retained).
Molecular consequence: synonymous variant.
Genome position (GRCh38, 1-based): chr2:227,298,791, C>T. VCF-style: chr2-227298791-C-T. GRCh37 (hg19) VCF-style: chr2-228163507-C-T.
Identifiers: ClinVar variation 930119 (VCV000930119.12), dbSNP rs865786656, ClinGen allele CA431507485.
Genomic context (GRCh38, chr2:227,298,791, plus strand): 5'-AGGAGACAAAGGGTCTATGGGCCACCCTGGCCCAAAAGGTCCACCTGGAACTGCAGGAGA[C>T]ATGGGACCACCAGGTCGTCTGGTGAGTATGGATAATTATTTTGACTCATTATTAATTCAA-3'
Protein context (NP_000082.2, residues 1277-1297): GPKGPPGTAG[Asp1287=]MGPPGRLGAP

ClinVar aggregate classification (germline): Likely benign. Review status: criteria provided, multiple submitters, no conflicts (2 of 4 stars). 2 submissions from 2 submitters: Likely benign (2). Last evaluated 2023-11-11.

Submissions (2):

Labcorp Genetics (formerly Invitae), Labcorp
Classification: Likely benign. Last evaluated: 2023-11-11. Review status: criteria provided, single submitter. Criteria: Invitae Variant Classification Sherloc (09022015). Collection method: clinical testing. Allele origin: germline.

Laboratory for Molecular Medicine, Mass General Brigham Personalized Medicine
Classification: Likely benign. Last evaluated: 2019-04-26. Review status: criteria provided, single submitter. Criteria: LMM Criteria. Collection method: clinical testing. Allele origin: germline. Observed: 1 variant allele.
Comment: The p.Asp1287Asp variant in COL4A3 is classified as likely benign because it does not alter an amino acid residue, it is not located within the splice consensus sequence, and splice prediction algorithms do not predict a newly created splice site. ACMG/AMP Criteria applied: BP4, BP7.